The following is an entry in ClinVar:

ClinVar aggregate classification (germline): Uncertain significance (1 of 4 stars; one submission).

Allele frequency attached by ClinVar (database versions not stated): gnomAD exomes below 0.00001.

Submission:

ARUP Laboratories, Molecular Genetics and Genomics, ARUP Laboratories
Classification: Uncertain significance. Last evaluated: 2020-04-17. Review status: criteria provided, single submitter. Criteria: ARUP Molecular Germline Variant Investigation Process. Collection method: clinical testing. Allele origin: germline.
Comment: The IGHMBP2 c.920A>G; p.Asn307Ser variant (rs1470463698), to our knowledge, is not reported in the medical literature or gene-specific databases. This variant is found on a single chromosome in the Genome Aggregation Database (1/251362 alleles), indicating it is not a common polymorphism. The asparagine at codon 307 is moderately conserved, and computational analyses (SIFT, PolyPhen-2) predict that this variant is tolerated. However, due to limited information, the clinical significance of the p.Asn307Ser variant is uncertain at this time.

NM_002180.3(IGHMBP2):c.920A>G (p.Asn307Ser)

Gene: IGHMBP2 (immunoglobulin mu DNA binding protein 2; plus strand). Cytogenetic location: 11q13.3.
Variant type: single nucleotide variant.
Coding change: c.920A>G on transcript NM_002180.3 (MANE Select); coding-DNA position 920, A replaced by G.
Protein change: p.Asn307Ser; replaces asparagine 307 with serine.
Molecular consequence: missense variant.
Genome position (GRCh38, 1-based): chr11:68,917,743, A>G. VCF-style: chr11-68917743-A-G. GRCh37 (hg19) VCF-style: chr11-68685211-A-G.
Other names: short protein forms N307S.
Identifiers: ClinVar variation 993502 (VCV000993502.8), dbSNP rs1470463698, ClinGen allele CA381644732.